The following is an entry in ClinVar:

NM_001349253.2(SCN11A):c.2994T>G (p.Asp998Glu)

Gene: SCN11A (sodium voltage-gated channel alpha subunit 11; minus strand). Cytogenetic location: 3p22.2.
Variant type: single nucleotide variant.
Coding change: c.2994T>G on transcript NM_001349253.2 (MANE Select); coding-DNA position 2994, T replaced by G.
Protein change: p.Asp998Glu; replaces aspartic acid 998 with glutamic acid.
Molecular consequence: missense variant.
Genome position (GRCh38, 1-based): chr3:38,885,358, A>C on the plus strand (T>G on the coding strand, the complement: SCN11A is on the minus strand). VCF-style: chr3-38885358-A-C. GRCh37 (hg19) VCF-style: chr3-38926849-A-C.
Other names: c.2994T>G, p.Asp998Glu (NM_014139.3); short protein forms D998E.
Identifiers: ClinVar variation 945130 (VCV000945130.6), dbSNP rs754935144, ClinGen allele CA352173730.

ClinVar aggregate classification (germline): Uncertain significance (1 of 4 stars; one submission).

Conditions:
Familial episodic pain syndrome with predominantly lower limb involvement. Also called: Episodic pain syndrome, familial, 3. Identifiers: Orphanet 391384, Orphanet 391392, MedGen C3809899, MONDO:0014247, OMIM 615552.
Hereditary sensory and autonomic neuropathy type 7. Also called: HSAN VII; Neuropathy, hereditary sensory and autonomic, type VII. Identifiers: Orphanet 391397, MedGen C3809882, MONDO:0014244, OMIM 615548.

Submission:

Labcorp Genetics (formerly Invitae), Labcorp
Classification: Uncertain significance for Familial episodic pain syndrome with predominantly lower limb involvement; Hereditary sensory and autonomic neuropathy type 7. Last evaluated: 2019-05-08. Review status: criteria provided, single submitter. Criteria: Invitae Variant Classification Sherloc (09022015). Collection method: clinical testing. Allele origin: germline.
Comment: This sequence change replaces aspartic acid with glutamic acid at codon 998 of the SCN11A protein (p.Asp998Glu). The aspartic acid residue is highly conserved and there is a small physicochemical difference between aspartic acid and glutamic acid. This variant is not present in population databases (ExAC no frequency). This variant has not been reported in the literature in individuals with SCN11A-related conditions. Algorithms developed to predict the effect of missense changes on protein structure and function (SIFT, PolyPhen-2, Align-GVGD) all suggest that this variant is likely to be disruptive, but these predictions have not been confirmed by published functional studies and their clinical significance is uncertain. In summary, the available evidence is currently insufficient to determine the role of this variant in disease. Therefore, it has been classified as a Variant of Uncertain Significance.